The following is an entry in ClinVar:

NM_176824.3(BBS7):c.262T>G (p.Ser88Ala)

Gene: BBS7 (Bardet-Biedl syndrome 7; minus strand). Cytogenetic location: 4q27.
Variant type: single nucleotide variant.
Coding change: c.262T>G on transcript NM_176824.3 (MANE Select); coding-DNA position 262, T replaced by G.
Protein change: p.Ser88Ala; replaces serine 88 with alanine.
Molecular consequence: missense variant.
Genome position (GRCh38, 1-based): chr4:121,861,583, A>C on the plus strand (T>G on the coding strand, the complement: BBS7 is on the minus strand). VCF-style: chr4-121861583-A-C. GRCh37 (hg19) VCF-style: chr4-122782738-A-C.
Other names: c.262T>G, p.Ser88Ala (NM_018190.4); short protein forms S88A.
Identifiers: ClinVar variation 1391962 (VCV001391962.6), dbSNP rs1489244436, ClinGen allele CA358044493.

ClinVar aggregate classification (germline): Uncertain significance (1 of 4 stars; one submission).

Conditions:
Bardet-Biedl syndrome (BBS). Identifiers: Orphanet 110, MedGen C0752166, MONDO:0015229.

Allele frequency attached by ClinVar (database versions not stated): gnomAD exomes 0.00001.
gnomAD v4.1: 7 of 1,613,912 alleles (0.00043%); highest among the groups gnomAD compares: South Asian, 0.0077%; no homozygotes.

Submission:

Labcorp Genetics (formerly Invitae), Labcorp
Classification: Uncertain significance for Bardet-Biedl syndrome. Last evaluated: 2025-09-08. Review status: criteria provided, single submitter. Criteria: Invitae Variant Classification Sherloc (09022015). Collection method: clinical testing. Allele origin: germline.
Comment: This sequence change replaces serine, which is neutral and polar, with alanine, which is neutral and non-polar, at codon 88 of the BBS7 protein (p.Ser88Ala). This variant is present in population databases (no rsID available, gnomAD 0.01%). This variant has not been reported in the literature in individuals affected with BBS7-related conditions. ClinVar contains an entry for this variant (Variation ID: 1391962). Invitae Evidence Modeling of protein sequence and biophysical properties (such as structural, functional, and spatial information, amino acid conservation, physicochemical variation, residue mobility, and thermodynamic stability) indicates that this missense variant is not expected to disrupt BBS7 protein function with a negative predictive value of 80%. In summary, the available evidence is currently insufficient to determine the role of this variant in disease. Therefore, it has been classified as a Variant of Uncertain Significance.